The following is an entry in ClinVar:

NM_015047.3(EMC1):c.563C>T (p.Ala188Val)

Gene: EMC1 (ER membrane protein complex subunit 1; minus strand). Cytogenetic location: 1p36.13.
Variant type: single nucleotide variant.
Coding change: c.563C>T on transcript NM_015047.3 (MANE Select); coding-DNA position 563, C replaced by T.
Protein change: p.Ala188Val; replaces alanine 188 with valine.
Molecular consequence: missense variant.
Genome position (GRCh38, 1-based): chr1:19,241,089, G>A on the plus strand (C>T on the coding strand, the complement: EMC1 is on the minus strand). VCF-style: chr1-19241089-G-A. GRCh37 (hg19) VCF-style: chr1-19567583-G-A.
Other names: c.563C>T, p.Ala188Val (NM_001271427.2, NM_001271428.2, NM_001375820.1 and 1 more transcripts); c.497C>T, p.Ala166Val (NM_001271429.2); short protein forms A188V, A166V.
Identifiers: ClinVar variation 2102029 (VCV002102029.4), dbSNP rs2536789900, ClinGen allele CA338770161.

ClinVar aggregate classification (germline): Uncertain significance (1 of 4 stars; one submission).

gnomAD v4.1: 1 of 1,614,068 alleles (0.000062%); highest among the groups gnomAD compares: African/African-American, 0.0013%; no homozygotes.

Submission:

Labcorp Genetics (formerly Invitae), Labcorp
Classification: Uncertain significance. Last evaluated: 2024-10-09. Review status: criteria provided, single submitter. Criteria: Invitae Variant Classification Sherloc (09022015). Collection method: clinical testing. Allele origin: germline.
Comment: This sequence change replaces alanine, which is neutral and non-polar, with valine, which is neutral and non-polar, at codon 188 of the EMC1 protein (p.Ala188Val). This variant is not present in population databases (gnomAD no frequency). This variant has not been reported in the literature in individuals affected with EMC1-related conditions. ClinVar contains an entry for this variant (Variation ID: 2102029). Invitae Evidence Modeling of protein sequence and biophysical properties (such as structural, functional, and spatial information, amino acid conservation, physicochemical variation, residue mobility, and thermodynamic stability) indicates that this missense variant is not expected to disrupt EMC1 protein function with a negative predictive value of 80%. In summary, the available evidence is currently insufficient to determine the role of this variant in disease. Therefore, it has been classified as a Variant of Uncertain Significance.